The following is an entry in ClinVar:

ClinVar aggregate classification (germline): Uncertain significance (1 of 4 stars; one submission).

Conditions:
Immunodeficiency, common variable, 10. Also called: DEFICIT IN ANTERIOR PITUITARY FUNCTION AND VARIABLE IMMUNODEFICIENCY; IMMUNODEFICIENCY, COMMON VARIABLE, WITH CENTRAL ADRENAL INSUFFICIENCY. Identifiers: MedGen C3809991, MONDO:0014260, OMIM 615577.

Allele frequency attached by ClinVar (database versions not stated): gnomAD exomes below 0.00001; TOPMed below 0.00001; gnomAD 0.00001; ExAC 0.00003.
gnomAD v4.1: 9 of 1,604,342 alleles (0.00056%); highest among the groups gnomAD compares: Non-Finnish European, 0.0006%; no homozygotes.

Submission:

Labcorp Genetics (formerly Invitae), Labcorp
Classification: Uncertain significance for Immunodeficiency, common variable, 10. Last evaluated: 2024-08-31. Review status: criteria provided, single submitter. Criteria: Invitae Variant Classification Sherloc (09022015). Collection method: clinical testing. Allele origin: germline.
Comment: This sequence change replaces alanine, which is neutral and non-polar, with threonine, which is neutral and polar, at codon 364 of the NFKB2 protein (p.Ala364Thr). This variant is present in population databases (rs746255458, gnomAD 0.003%). This variant has not been reported in the literature in individuals affected with NFKB2-related conditions. An algorithm developed to predict the effect of missense changes on protein structure and function (PolyPhen-2) suggests that this variant is likely to be tolerated. In summary, the available evidence is currently insufficient to determine the role of this variant in disease. Therefore, it has been classified as a Variant of Uncertain Significance.

NM_001322934.2(NFKB2):c.1090G>A (p.Ala364Thr)

Gene: NFKB2 (nuclear factor kappa B subunit 2; plus strand). Cytogenetic location: 10q24.32.
Variant type: single nucleotide variant.
Coding change: c.1090G>A on transcript NM_001322934.2 (MANE Select); coding-DNA position 1090, G replaced by A.
Protein change: p.Ala364Thr; replaces alanine 364 with threonine.
Molecular consequence: missense variant. On other transcripts: intron variant (1).
Genome position (GRCh38, 1-based): chr10:102,398,837, G>A. VCF-style: chr10-102398837-G-A. GRCh37 (hg19) VCF-style: chr10-104158594-G-A.
Other names: c.1090G>A, p.Ala364Thr (NM_001077493.1, NM_001077494.3, NM_001261403.3 and 2 more transcripts); c.991+314G>A (NM_001322935.1); short protein forms A364T.
Identifiers: ClinVar variation 2880483 (VCV002880483.3), dbSNP rs746255458, ClinGen allele CA5664721.
Genomic context (GRCh38, chr10:102,398,837, plus strand): 5'-CCCACCTTCTCCCAGCCCTTCGGGGGTGGCTCCCACATGGGTGGAGGCTCTGGGGGTGCA[G>A]CCGGGGGCTACGGAGGAGCTGGAGGAGGTGAGGGGGTACTGATGGAGGGAGGGGTAAAGG-3'
Protein context (NP_001309863.1, residues 354-374): SHMGGGSGGA[Ala364Thr]GGYGGAGGGG